The following is an entry in ClinVar:

ClinVar aggregate classification (germline): Likely benign. Review status: criteria provided, multiple submitters, no conflicts (2 of 4 stars). 4 submissions from 4 submitters: Likely benign (4). Last evaluated 2026-01-12.

Conditions:
Hereditary cancer-predisposing syndrome. Also called: Neoplastic Syndromes, Hereditary; Tumor predisposition; Hereditary neoplastic syndrome; Hereditary Cancer Syndrome. Identifiers: Orphanet 140162, MedGen C0027672, MeSH D009386, MONDO:0015356.
Inborn genetic diseases. Identifiers: MedGen C0950123, MeSH D030342.
Baller-Gerold syndrome (BGS). Also called: CRANIOSYNOSTOSIS WITH RADIAL DEFECTS. Identifiers: Orphanet 1225, MedGen C0265308, MONDO:0009039, OMIM 218600.

Allele frequency attached by ClinVar (database versions not stated): gnomAD below 0.00001 and 0.00008; TOPMed 0.00002; gnomAD exomes 0.00008 and 0.00017; ExAC 0.00020; 1000 Genomes Project 30x 0.00062; 1000 Genomes Project 0.00080.

Submissions (4):

Labcorp Genetics (formerly Invitae), Labcorp
Classification: Likely benign for Baller-Gerold syndrome. Last evaluated: 2026-01-12. Review status: criteria provided, single submitter. Criteria: Invitae Variant Classification Sherloc (09022015). Collection method: clinical testing. Allele origin: germline.

CeGaT Center for Human Genetics Tuebingen
Classification: Likely benign. Last evaluated: 2025-04-01. Review status: criteria provided, single submitter. Criteria: CeGaT Center For Human Genetics Tuebingen Variant Classification Criteria Version 2. Collection method: clinical testing. Allele origin: germline. Affected: yes. Observed: 1 variant allele.
Comment: RECQL4: BP4, BP7

Ambry Genetics
Classification: Likely benign for Inborn genetic diseases. Last evaluated: 2024-11-28. Review status: criteria provided, single submitter. Criteria: Ambry Variant Classification Scheme 2023. Collection method: clinical testing. Allele origin: germline.

Sema4
Classification: Likely benign for Hereditary cancer-predisposing syndrome. Last evaluated: 2021-03-01. Review status: criteria provided, single submitter. Criteria: Sema4 Curation Guidelines. Collection method: curation. Allele origin: germline.

NM_004260.4(RECQL4):c.645G>A (p.Glu215=)

Gene: RECQL4 (RecQ like helicase 4; minus strand). Cytogenetic location: 8q24.3.
Variant type: single nucleotide variant.
Coding change: c.645G>A on transcript NM_004260.4 (MANE Select); coding-DNA position 645, G replaced by A.
Protein change: p.Glu215=; no amino-acid change (glutamic acid 215 retained).
Molecular consequence: synonymous variant.
Genome position (GRCh38, 1-based): chr8:144,516,474, C>T on the plus strand (G>A on the coding strand, the complement: RECQL4 is on the minus strand). VCF-style: chr8-144516474-C-T. GRCh37 (hg19) VCF-style: chr8-145741858-C-T.
Identifiers: ClinVar variation 702412 (VCV000702412.19), dbSNP rs550208182, ClinGen allele CA4949225.